The following is an entry in ClinVar:

ClinVar aggregate classification (germline): Conflicting classifications of pathogenicity. Review status: criteria provided, conflicting classifications (1 of 4 stars). 2 submissions from 2 submitters: Uncertain significance (1); Likely benign (1). Last evaluated 2024-04-26.

Conditions:
Congenital factor V deficiency. Also called: LABILE FACTOR DEFICIENCY; Hereditary factor V deficiency disease; OWREN PARAHEMOPHILIA; PARAHEMOPHILIA. Identifiers: Orphanet 326, MedGen C0015499, MONDO:0009210, OMIM 227400.
Inborn genetic diseases. Identifiers: MedGen C0950123, MeSH D030342.

Allele frequency attached by ClinVar (database versions not stated): gnomAD 0.00001; TOPMed 0.00001.

Submissions (2):

Ambry Genetics
Classification: Likely benign for Inborn genetic diseases. Last evaluated: 2024-04-26. Review status: criteria provided, single submitter. Criteria: Ambry Variant Classification Scheme 2023. Collection method: clinical testing. Allele origin: germline.

Labcorp Genetics (formerly Invitae), Labcorp
Classification: Uncertain significance for Congenital factor V deficiency. Last evaluated: 2023-02-27. Review status: criteria provided, single submitter. Criteria: Invitae Variant Classification Sherloc (09022015). Collection method: clinical testing. Allele origin: germline.
Comment: This variant is present in population databases (rs763734157, gnomAD 0.0009%). This sequence change replaces methionine, which is neutral and non-polar, with threonine, which is neutral and polar, at codon 1274 of the F5 protein (p.Met1274Thr). This variant has not been reported in the literature in individuals affected with F5-related conditions. In summary, the available evidence is currently insufficient to determine the role of this variant in disease. Therefore, it has been classified as a Variant of Uncertain Significance. Advanced modeling of protein sequence and biophysical properties (such as structural, functional, and spatial information, amino acid conservation, physicochemical variation, residue mobility, and thermodynamic stability) performed at Invitae indicates that this missense variant is not expected to disrupt F5 protein function.

NM_000130.5(F5):c.3821T>C (p.Met1274Thr)

Gene: F5 (coagulation factor V; minus strand). Cytogenetic location: 1q24.2.
Variant type: single nucleotide variant.
Coding change: c.3821T>C on transcript NM_000130.5 (MANE Select); coding-DNA position 3821, T replaced by C.
Protein change: p.Met1274Thr; replaces methionine 1274 with threonine.
Molecular consequence: missense variant.
Genome position (GRCh38, 1-based): chr1:169,541,269, A>G on the plus strand (T>C on the coding strand, the complement: F5 is on the minus strand). VCF-style: chr1-169541269-A-G. GRCh37 (hg19) VCF-style: chr1-169510507-A-G.
Other names: short protein forms M1274T.
Identifiers: ClinVar variation 2894918 (VCV002894918.4), dbSNP rs763734157, ClinGen allele CA1233818.